The following is an entry in ClinVar:

NM_144997.7(FLCN):c.1311C>T (p.Val437=)

Gene: FLCN (folliculin; minus strand). Cytogenetic location: 17p11.2.
Variant type: single nucleotide variant.
Coding change: c.1311C>T on transcript NM_144997.7 (MANE Select); coding-DNA position 1311, C replaced by T.
Protein change: p.Val437=; no amino-acid change (valine 437 retained).
Molecular consequence: synonymous variant.
Genome position (GRCh38, 1-based): chr17:17,215,306, G>A on the plus strand (C>T on the coding strand, the complement: FLCN is on the minus strand). VCF-style: chr17-17215306-G-A. GRCh37 (hg19) VCF-style: chr17-17118620-G-A.
Other names: c.1365C>T, p.Val455= (NM_001353229.2); c.1311C>T, p.Val437= (NM_001353230.2, NM_001353231.2).
Identifiers: ClinVar variation 1616295 (VCV001616295.11), dbSNP rs1002586963, ClinGen allele CA498421390.
Genomic context (GRCh38, chr17:17,215,306, plus strand): 5'-GTCATCCTCACACCCCACAGGGTGGAGGGTGGAACGTGCGGCTGCGTGGACCTCCACGAT[G>A]ACAGCAAACTCTGTAACAACACAAGGCCCGTGGCTCCTCATCTCCCCCATGCTCCTCACC-3'
Protein context (NP_659434.2, residues 427-447): PPHVLSSEFA[Val437=]IVEVHAAARS

ClinVar aggregate classification (germline): Benign/Likely benign. Review status: criteria provided, multiple submitters, no conflicts (2 of 4 stars). 3 submissions from 3 submitters: Benign (1); Likely benign (2). Last evaluated 2024-10-24.

Conditions:
Birt-Hogg-Dube syndrome. Also called: Birt Hogg Dubé syndrome. Identifiers: Orphanet 122, MedGen C0346010, MONDO:0800444.
Birt-Hogg-Dube syndrome 1 (BHD1). Also called: FIBROFOLLICULOMAS WITH TRICHODISCOMAS AND ACROCHORDONS. Identifiers: Orphanet 122, MedGen CN375946, MONDO:0800445, OMIM 135150.
Hereditary cancer-predisposing syndrome. Also called: Neoplastic Syndromes, Hereditary; Hereditary neoplastic syndrome; Tumor predisposition; Hereditary Cancer Syndrome. Identifiers: Orphanet 140162, MedGen C0027672, MeSH D009386, MONDO:0015356.

gnomAD v4.1: 2 of 1,613,928 alleles (0.00012%); highest among the groups gnomAD compares: South Asian, 0.0011%; no homozygotes.

Submissions (3):

Myriad Genetics, Inc.
Classification: Benign for Birt-Hogg-Dube syndrome 1. Last evaluated: 2024-10-24. Review status: criteria provided, single submitter. Criteria: Myriad Autosomal Dominant, Autosomal Recessive and X-Linked Classification Criteria (2023). Collection method: clinical testing. Allele origin: unknown.
Comment: This variant is considered benign. This variant is a silent/synonymous amino acid change and it is not expected to impact splicing.

Labcorp Genetics (formerly Invitae), Labcorp
Classification: Likely benign for Birt-Hogg-Dube syndrome. Last evaluated: 2023-04-19. Review status: criteria provided, single submitter. Criteria: Invitae Variant Classification Sherloc (09022015). Collection method: clinical testing. Allele origin: germline.

Ambry Genetics
Classification: Likely benign for Hereditary cancer-predisposing syndrome. Last evaluated: 2022-08-24. Review status: criteria provided, single submitter. Criteria: Ambry Variant Classification Scheme 2023. Collection method: clinical testing. Allele origin: germline.